The following is an entry in ClinVar:

ClinVar aggregate classification (germline): Uncertain significance. Review status: criteria provided, multiple submitters, no conflicts (2 of 4 stars). 2 submissions from 2 submitters: Uncertain significance (2). Last evaluated 2025-10-07.

Conditions:
Cardiovascular phenotype. Identifiers: MedGen CN230736.

Allele frequency attached by ClinVar (database versions not stated): gnomAD exomes below 0.00001; gnomAD 0.00001; TOPMed 0.00001.
gnomAD v4.1: 4 of 1,614,044 alleles (0.00025%); highest among the groups gnomAD compares: South Asian, 0.0033%; no homozygotes.

Submissions (2):

Ambry Genetics
Classification: Uncertain significance for Cardiovascular phenotype. Last evaluated: 2025-10-07. Review status: criteria provided, single submitter. Criteria: Ambry Variant Classification Scheme 2023. Collection method: clinical testing. Allele origin: germline.

Labcorp Genetics (formerly Invitae), Labcorp
Classification: Uncertain significance. Last evaluated: 2024-04-11. Review status: criteria provided, single submitter. Criteria: Invitae Variant Classification Sherloc (09022015). Collection method: clinical testing. Allele origin: germline.
Comment: This sequence change replaces proline, which is neutral and non-polar, with arginine, which is basic and polar, at codon 995 of the ALPK3 protein (p.Pro995Arg). This variant is not present in population databases (gnomAD no frequency). This variant has not been reported in the literature in individuals affected with ALPK3-related conditions. Advanced modeling of protein sequence and biophysical properties (such as structural, functional, and spatial information, amino acid conservation, physicochemical variation, residue mobility, and thermodynamic stability) performed at Invitae indicates that this missense variant is not expected to disrupt ALPK3 protein function with a negative predictive value of 80%. In summary, the available evidence is currently insufficient to determine the role of this variant in disease. Therefore, it has been classified as a Variant of Uncertain Significance.

NM_020778.5(ALPK3):c.2378C>G (p.Pro793Arg)

Gene: ALPK3 (alpha kinase 3; plus strand). Cytogenetic location: 15q25.3.
Variant type: single nucleotide variant.
Coding change: c.2378C>G on transcript NM_020778.5 (MANE Select); coding-DNA position 2378, C replaced by G.
Protein change: p.Pro793Arg; replaces proline 793 with arginine.
Molecular consequence: missense variant.
Genome position (GRCh38, 1-based): chr15:84,857,116, C>G. VCF-style: chr15-84857116-C-G. GRCh37 (hg19) VCF-style: chr15-85400347-C-G.
Other names: c.2984C>G (NM_020778.4); short protein forms P793R.
Identifiers: ClinVar variation 2974995 (VCV002974995.4), dbSNP rs373968196, ClinGen allele CA393356940.
Genomic context (GRCh38, chr15:84,857,116, plus strand): 5'-CCAGATCTGAGGAGGCAGTAGTAACAGCCTCCAGGAACCATGAGCAAACTGTGCTGGGTC[C>G]CCTGTCAGGGAACCTCATGCTCCCAGCACAGCCGCCCCATGAGGGGAGTGTGGAGCAGGT-3'
Protein context (NP_065829.4, residues 783-803): SRNHEQTVLG[Pro793Arg]LSGNLMLPAQ